The following is an entry in ClinVar:

NM_001999.4(FBN2):c.4751G>T (p.Gly1584Val)

Gene: FBN2 (fibrillin 2; minus strand). Cytogenetic location: 5q23.3.
Variant type: single nucleotide variant.
Coding change: c.4751G>T on transcript NM_001999.4 (MANE Select); coding-DNA position 4751, G replaced by T.
Protein change: p.Gly1584Val; replaces glycine 1584 with valine.
Molecular consequence: missense variant.
Genome position (GRCh38, 1-based): chr5:128,312,762, C>A on the plus strand (G>T on the coding strand, the complement: FBN2 is on the minus strand). VCF-style: chr5-128312762-C-A. GRCh37 (hg19) VCF-style: chr5-127648454-C-A.
Other names: short protein forms G1584V.
Identifiers: ClinVar variation 658047 (VCV000658047.13), dbSNP rs770269667, ClinGen allele CA3394864.

ClinVar aggregate classification (germline): Uncertain significance. Review status: criteria provided, multiple submitters, no conflicts (2 of 4 stars). 2 submissions from 2 submitters: Uncertain significance (2). Last evaluated 2026-01-12.

Conditions:
Congenital contractural arachnodactyly (CCA). Also called: Beals-Hecht syndrome; BEALS SYNDROME; Arthrogryposis, distal, type 9. Identifiers: Orphanet 115, MedGen C0220668, MONDO:0007363, OMIM 121050.

Allele frequency attached by ClinVar (database versions not stated): TOPMed below 0.00001; ExAC 0.00001; gnomAD exomes below 0.00001; gnomAD 0.00001.
gnomAD v4.1: 4 of 1,613,820 alleles (0.00025%); highest among the groups gnomAD compares: Non-Finnish European, 0.00034%; no homozygotes.

Submissions (2):

Labcorp Genetics (formerly Invitae), Labcorp
Classification: Uncertain significance for Congenital contractural arachnodactyly. Last evaluated: 2026-01-12. Review status: criteria provided, single submitter. Criteria: Invitae Variant Classification Sherloc (09022015). Collection method: clinical testing. Allele origin: germline.
Comment: This sequence change replaces glycine, which is neutral and non-polar, with valine, which is neutral and non-polar, at codon 1584 of the FBN2 protein (p.Gly1584Val). This variant is not present in population databases (gnomAD no frequency). This variant has not been reported in the literature in individuals affected with FBN2-related conditions. ClinVar contains an entry for this variant (Variation ID: 658047). Invitae Evidence Modeling of protein sequence and biophysical properties (such as structural, functional, and spatial information, amino acid conservation, physicochemical variation, residue mobility, and thermodynamic stability) indicates that this missense variant is expected to disrupt FBN2 protein function with a positive predictive value of 80%. In summary, the available evidence is currently insufficient to determine the role of this variant in disease. Therefore, it has been classified as a Variant of Uncertain Significance.

Mayo Clinic Laboratories, Mayo Clinic
Classification: Uncertain significance. Last evaluated: 2020-07-02. Review status: criteria provided, single submitter. Criteria: ACMG Guidelines, 2015. Collection method: clinical testing. Allele origin: germline. Observed: 1 variant allele.